The following is an entry in ClinVar:

ClinVar aggregate classification (germline): Uncertain significance (1 of 4 stars; one submission).

gnomAD v4.1: 5 of 1,612,818 alleles (0.00031%); highest among the groups gnomAD compares: South Asian, 0.0044%; no homozygotes.

Submission:

GeneDx
Classification: Uncertain significance. Last evaluated: 2025-06-10. Review status: criteria provided, single submitter. Criteria: GeneDx Variant Classification Process June 2021. Collection method: clinical testing. Allele origin: germline. Affected: yes.
Comment: Not observed at significant frequency in large population cohorts (gnomAD); Missense variant in a gene in which most reported pathogenic variants are truncating/loss of function; Has not been previously published as pathogenic or benign to our knowledge

NM_001267550.2(TTN):c.45793A>G (p.Arg15265Gly)

Gene: TTN (titin; minus strand). Cytogenetic location: 2q31.2.
Variant type: single nucleotide variant.
Coding change: c.45793A>G on transcript NM_001267550.2 (MANE Select); coding-DNA position 45793, A replaced by G.
Protein change: p.Arg15265Gly; replaces arginine 15265 with glycine.
Molecular consequence: missense variant.
Genome position (GRCh38, 1-based): chr2:178,620,817, T>C on the plus strand (A>G on the coding strand, the complement: TTN is on the minus strand). VCF-style: chr2-178620817-T-C. GRCh37 (hg19) VCF-style: chr2-179485544-T-C.
Other names: c.40870A>G, p.Arg13624Gly (NM_001256850.1); c.18598A>G, p.Arg6200Gly (NM_003319.4); c.38089A>G, p.Arg12697Gly (NM_133378.4); c.18973A>G, p.Arg6325Gly (NM_133432.3); c.19174A>G, p.Arg6392Gly (NM_133437.4); short protein forms R12697G, R13624G, R15265G, R6200G, R6325G, R6392G.
Identifiers: ClinVar variation 4537525 (VCV004537525.1).
Genomic context (GRCh38, chr2:178,620,817, plus strand): 5'-TGTGATTGGTCAAAGACACATTATAGTTGGCTTGGTCATCTAAGTGTGCATCTCTAATTC[T>C]GAGGGTGTAGACTAGGTCTTTTTGGAGAATGATGTATTTTGAACTATCAAATATAGCTTC-3'
Protein context (NP_001254479.2, residues 15255-15275): ILQKDLVYTL[Arg15265Gly]IRDAHLDDQA